The following is an entry in ClinVar:

NM_020800.3(IFT80):c.698C>A (p.Thr233Asn)

Genes: TRIM59-IFT80 (TRIM59-IFT80 readthrough (NMD candidate); minus strand), IFT80 (intraflagellar transport 80; minus strand). Cytogenetic location: 3q25.33.
Variant type: single nucleotide variant.
Coding change: c.698C>A on transcript NM_020800.3 (MANE Select); coding-DNA position 698, C replaced by A.
Protein change: p.Thr233Asn; replaces threonine 233 with asparagine.
Molecular consequence: missense variant. On other transcripts: non-coding transcript variant (3).
Genome position (GRCh38, 1-based): chr3:160,356,092, G>T on the plus strand (C>A on the coding strand, the complement: IFT80 is on the minus strand). VCF-style: chr3-160356092-G-T. GRCh37 (hg19) VCF-style: chr3-160073880-G-T.
Other names: c.287C>A, p.Thr96Asn (NM_001190241.2, NM_001190242.2); short protein forms T96N, T233N.
Identifiers: ClinVar variation 943516 (VCV000943516.9), dbSNP rs1242544327, ClinGen allele CA355192834.

ClinVar aggregate classification (germline): Uncertain significance (1 of 4 stars; one submission).

Conditions:
Jeune thoracic dystrophy. Also called: Jeune syndrome; Infantile thoracic dystrophy; Thoracic pelvic phalangeal dystrophy; Jeune's syndrome; Chondroectodermal dysplasia-like syndrome; Short-rib thoracic dysplasia. Identifiers: Orphanet 474, MedGen C0265275, MONDO:0018770.

Submission:

Labcorp Genetics (formerly Invitae), Labcorp
Classification: Uncertain significance for Jeune thoracic dystrophy. Last evaluated: 2022-07-25. Review status: criteria provided, single submitter. Criteria: Invitae Variant Classification Sherloc (09022015). Collection method: clinical testing. Allele origin: germline.
Comment: This sequence change replaces threonine, which is neutral and polar, with asparagine, which is neutral and polar, at codon 233 of the IFT80 protein (p.Thr233Asn). This variant is not present in population databases (gnomAD no frequency). Algorithms developed to predict the effect of missense changes on protein structure and function (SIFT, PolyPhen-2, Align-GVGD) all suggest that this variant is likely to be disruptive. In summary, the available evidence is currently insufficient to determine the role of this variant in disease. Therefore, it has been classified as a Variant of Uncertain Significance. ClinVar contains an entry for this variant (Variation ID: 943516). This variant has not been reported in the literature in individuals affected with IFT80-related conditions.